The following is an entry in ClinVar:

NM_032271.3(TRAF7):c.1204C>G (p.Leu402Val)

Gene: TRAF7 (TNF receptor associated factor 7; plus strand). Cytogenetic location: 16p13.3.
Variant type: single nucleotide variant.
Coding change: c.1204C>G on transcript NM_032271.3 (MANE Select); coding-DNA position 1204, C replaced by G.
Protein change: p.Leu402Val; replaces leucine 402 with valine.
Molecular consequence: missense variant.
Genome position (GRCh38, 1-based): chr16:2,173,989, C>G. VCF-style: chr16-2173989-C-G. GRCh37 (hg19) VCF-style: chr16-2223990-C-G.
Other names: short protein forms L402V.
Identifiers: ClinVar variation 1327659 (VCV001327659.4), dbSNP rs2141291233, ClinGen allele CA394328073.

ClinVar aggregate classification (germline): Pathogenic. Review status: criteria provided, multiple submitters, no conflicts (2 of 4 stars). 2 submissions from 2 submitters: Pathogenic (2). Last evaluated 2024-11-13.

Conditions:
Cardiac, facial, and digital anomalies with developmental delay. Identifiers: Orphanet 592570, MedGen C4748484, MONDO:0032572, OMIM 618164.

Submissions (2):

Molecular Diagnostics Laboratory, M Health Fairview: University of Minnesota
Classification: Pathogenic for Cardiac, facial, and digital anomalies with developmental delay. Last evaluated: 2024-11-13. Review status: criteria provided, single submitter. Criteria: ACMG Guidelines, 2015. Collection method: clinical testing. Allele origin: de novo. Affected: yes.

GeneDx
Classification: Pathogenic. Last evaluated: 2021-09-15. Review status: criteria provided, single submitter. Criteria: GeneDx Variant Classification Process June 2021. Collection method: clinical testing. Allele origin: germline. Affected: yes.
Comment: In silico analysis, which includes protein predictors and evolutionary conservation, supports that this variant does not alter protein structure/function; Not observed in large population cohorts (Lek et al., 2016); This variant is associated with the following publications: (PMID: 32376980, 32459067, 31785789)